The following is an entry in ClinVar:

ClinVar aggregate classification (germline): Likely pathogenic. Review status: criteria provided, multiple submitters, no conflicts (2 of 4 stars). 2 submissions from 2 submitters: Likely pathogenic (2). Last evaluated 2024-04-24.

Conditions:
Methylmalonic aciduria due to complete methylmalonyl-CoA mutase deficiency.

Submissions (2):

Natera, Inc.
Classification: Likely pathogenic for Methylmalonic aciduria due to complete methylmalonyl-CoA mutase deficiency. Last evaluated: 2024-04-24. Review status: criteria provided, single submitter. Criteria: Natera Variant Classification Schema (03/2026). Collection method: clinical testing. Allele origin: germline.
Comment: The c.372_374dupGGA variant in MMUT is an in-frame insertion. This variant is rare in the general population with a frequency below the threshold expected for the associated phenotype(s). This variant has been observed in one or more individuals affected with the associated recessive disease, as either homozygous or compound heterozygous with a second variant (PMID: 27233228). This variant results in a change to the protein length while preserving reading frame, which may disrupt normal protein structure or function. Given the available evidence, this variant is classified as Likely Pathogenic.

GeneDx
Classification: Likely pathogenic. Last evaluated: 2013-10-16. Review status: criteria provided, single submitter. Criteria: GeneDx Variant Classification (06012015). Collection method: clinical testing. Allele origin: germline. Affected: yes.
Comment: c.372_374dupGGA: p.Lys124_Asp125insGlu (K124_D125insE) in exon 2 of the MUT gene (NM_000255.3) sequence change that is likely pathogenic. The sequence shown with the inserted bases in braces is: ATAA{GGA}CAAC. It has not been published as a mutation, nor has it been reported as a benign polymorphism to our knowledge. The c.372_374dupGGA variant causes an insertion of a Glutamic Acid residue between Lysine 124 and Asparagine 125, denoted p.Lys124_Asp125insGlu. This insertion occurs in the helix domain of the mutase protein where other pathogenic mutations, including deletions of single amino acids, have been reported in association with MMA. Therefore, c.372_374dupGGA is a strong candidate for a disease-causing mutation, however the possibility that it is a benign variant cannot be excluded. The variant is found in MUT panel(s).

Literature cited by the submitters: PubMed 27233228 (cited by Natera, Inc.).

NM_000255.4(MMUT):c.372_374dup (p.Lys124_Asp125insGlu)

Gene: MMUT (methylmalonyl-CoA mutase; minus strand). Cytogenetic location: 6p12.3.
Variant type: Duplication.
Coding change: c.372_374dup on transcript NM_000255.4 (MANE Select); coding-DNA positions 372 to 374, 3 bases duplicated (GGA; older notation c.372_374dupGGA).
Protein change: p.Lys124_Asp125insGlu.
Molecular consequence: inframe insertion.
Genome position (GRCh38, 1-based): chr6:49,459,093-49,459,095, TCC duplicated on the plus strand (GGA on the coding strand, the reverse complement: MMUT is on the minus strand); duplicating any 3 consecutive bases within chr6:49,459,093-49,459,096 gives the same sequence; the c. name uses the placement nearest the transcript's 3' end. VCF-style (leftmost placement, unchanged base first): chr6-49459092-G-GTCC. GRCh37 (hg19) VCF-style: chr6-49426805-G-GTCC.
Identifiers: ClinVar variation 203861 (VCV000203861.3), dbSNP rs796052009, ClinGen allele CA312788.
Genomic context (GRCh38, chr6:49,459,092, plus strand): 5'-AGGAGGCATATGACTTATCATAAATATTATGTCTTACATTAAAATCTCACCCTTAATGTT[G>GTCC]TCCTTATAGAACTTATTGCTTTCTTCCACAGTACTAAAACCAGCATACTGGCGGATGGTC-3'